The following is an entry in ClinVar:

NM_182641.4(BPTF):c.5505A>T (p.Glu1835Asp)

Gene: BPTF (bromodomain PHD finger transcription factor; plus strand). Cytogenetic location: 17q24.2.
Variant type: single nucleotide variant.
Coding change: c.5505A>T on transcript NM_182641.4 (MANE Select); coding-DNA position 5505, A replaced by T.
Protein change: p.Glu1835Asp; replaces glutamic acid 1835 with aspartic acid.
Molecular consequence: missense variant.
Genome position (GRCh38, 1-based): chr17:67,920,091, A>T. VCF-style: chr17-67920091-A-T. GRCh37 (hg19) VCF-style: chr17-65916207-A-T.
Other names: c.5883A>T, p.Glu1961Asp (NM_004459.7); short protein forms E1835D, E1961D.
Identifiers: ClinVar variation 3725534 (VCV003725534.2).

ClinVar aggregate classification (germline): Uncertain significance (1 of 4 stars; one submission).

Submission:

Labcorp Genetics (formerly Invitae), Labcorp
Classification: Uncertain significance. Last evaluated: 2024-11-19. Review status: criteria provided, single submitter. Criteria: Invitae Variant Classification Sherloc (09022015). Collection method: clinical testing. Allele origin: germline.
Comment: This sequence change replaces glutamic acid, which is acidic and polar, with aspartic acid, which is acidic and polar, at codon 1961 of the BPTF protein (p.Glu1961Asp). This variant is not present in population databases (gnomAD no frequency). This variant has not been reported in the literature in individuals affected with BPTF-related conditions. An algorithm developed to predict the effect of missense changes on protein structure and function (PolyPhen-2) suggests that this variant is likely to be disruptive. In summary, the available evidence is currently insufficient to determine the role of this variant in disease. Therefore, it has been classified as a Variant of Uncertain Significance.